The following is an entry in ClinVar:

NM_001267550.2(TTN):c.29104T>G (p.Ser9702Ala)

Gene: TTN (titin; minus strand). Cytogenetic location: 2q31.2.
Variant type: single nucleotide variant.
Coding change: c.29104T>G on transcript NM_001267550.2 (MANE Select); coding-DNA position 29104, T replaced by G.
Protein change: p.Ser9702Ala; replaces serine 9702 with alanine.
Molecular consequence: missense variant. On other transcripts: intron variant (3).
Genome position (GRCh38, 1-based): chr2:178,706,892, A>C on the plus strand (T>G on the coding strand, the complement: TTN is on the minus strand). VCF-style: chr2-178706892-A-C. GRCh37 (hg19) VCF-style: chr2-179571619-A-C.
Other names: p.Ser9702Ala; c.25372T>G, p.Ser8458Ala (NM_133378.4); c.13282+31190T>G (NM_003319.4); c.13858+31190T>G (NM_133437.4); c.13657+31190T>G (NM_133432.3); c.28153T>G, p.Ser9385Ala (NM_001256850.1); short protein forms S8458A, S9385A, S9702A.
Identifiers: ClinVar variation 4884859 (VCV004884859.1).

ClinVar aggregate classification (germline): Uncertain significance (1 of 4 stars; one submission).

Conditions:
Hypertrophic cardiomyopathy 9. Also called: Familial hypertrophic cardiomyopathy 9. Identifiers: MedGen C1861065, MONDO:0013412, OMIM 613765.

Submission:

Foundation for Research in Genetics and Endocrinology, FRIGE's Institute of Human Genetics
Classification: Uncertain significance for Hypertrophic cardiomyopathy 9. Last evaluated: 2026-07-22. Review status: criteria provided, single submitter. Criteria: ACMG Guidelines, 2015. Collection method: clinical testing. Allele origin: germline. Inheritance: Autosomal dominant inheritance. Affected: yes. Observed: 1 variant allele, 1 heterozygote.
Comment: A heterozygous missense variant in exon 101 of the TTN gene that results in the amino acid substitution of Alanine for Serine at codon 9702 (p.Ser9702Ala) was detected. The p.Ser9702Ala variant has not been reported in the 1000 genomes, gnomAD (v3.1), gnomAD (v2.1) and topmed databases. The reference codon is conserved across species. In summary, the variant meets our criteria to be classified as variant of uncertain significance.